The following is an entry in ClinVar:

ClinVar aggregate classification (germline): Uncertain significance (1 of 4 stars; one submission).

Conditions:
Cardiomyopathy (CMYO). Also called: Cardiomyopathies. Identifiers: Orphanet 167848, MedGen C0878544, MONDO:0004994, HP:0001638. Inheritance: Various modes of inheritance.

Submission:

Color Diagnostics, LLC DBA Color Health
Classification: Uncertain significance for Cardiomyopathy. Last evaluated: 2020-02-06. Review status: criteria provided, single submitter. Criteria: ACMG Guidelines, 2015. Collection method: clinical testing. Allele origin: germline.
Comment: This variant deletes 1 nucleotide in the last exon of the TMEM43 gene, creating a frameshift in the last exon. This variant is expected to escape nonsense-mediated decay and be expressed as a protein product containing altered C-terminal sequence. To our knowledge, this variant has not been reported in individuals affected with cardiovascular disorders in the literature. This variant has not been identified in the general population by the Genome Aggregation Database (gnomAD). The available evidence is insufficient to determine the role of this variant in disease conclusively. Therefore, this variant is classified as a Variant of Uncertain Significance.

NM_024334.3(TMEM43):c.1120del (p.Leu374fs)

Gene: TMEM43 (transmembrane protein 43; plus strand). Cytogenetic location: 3p25.1.
Variant type: Deletion.
Coding change: c.1120del on transcript NM_024334.3 (MANE Select); coding-DNA position 1120, one base deleted (C; older notation c.1120delC).
Protein change: p.Leu374fs; shifts the reading frame from leucine 374.
Molecular consequence: frameshift variant.
Genome position (GRCh38, 1-based): chr3:14,141,712, C deleted; the last of 4 consecutive C bases (chr3:14,141,709-14,141,712); deleting any one gives the same sequence. VCF-style (leftmost placement, unchanged base first): chr3-14141708-AC-A. GRCh37 (hg19) VCF-style: chr3-14183208-AC-A.
Other names: short protein forms L374fs.
Identifiers: ClinVar variation 921554 (VCV000921554.3), dbSNP rs1695249540, ClinGen allele CA1139657904.